The following is an entry in ClinVar:

NM_001710.6(CFB):c.1924C>T (p.Arg642Trp)

Gene: CFB (complement factor B; plus strand). Cytogenetic location: 6p21.33.
Variant type: single nucleotide variant.
Coding change: c.1924C>T on transcript NM_001710.6 (MANE Select); coding-DNA position 1924, C replaced by T.
Protein change: p.Arg642Trp; replaces arginine 642 with tryptophan.
Molecular consequence: missense variant.
Genome position (GRCh38, 1-based): chr6:31,951,212, C>T. VCF-style: chr6-31951212-C-T. GRCh37 (hg19) VCF-style: chr6-31918989-C-T.
Other names: short protein forms R642W.
Identifiers: ClinVar variation 4692009 (VCV004692009.1).

ClinVar aggregate classification (germline): Uncertain significance (1 of 4 stars; one submission).

Submission:

Labcorp Genetics (formerly Invitae), Labcorp
Classification: Uncertain significance. Last evaluated: 2025-05-21. Review status: criteria provided, single submitter. Criteria: Invitae Variant Classification Sherloc (09022015). Collection method: clinical testing. Allele origin: germline.
Comment: This sequence change replaces arginine, which is basic and polar, with tryptophan, which is neutral and slightly polar, at codon 642 of the CFB protein (p.Arg642Trp). This variant is present in population databases (no rsID available, gnomAD 0.0009%). This variant has not been reported in the literature in individuals affected with CFB-related conditions. Invitae Evidence Modeling of protein sequence and biophysical properties (such as structural, functional, and spatial information, amino acid conservation, physicochemical variation, residue mobility, and thermodynamic stability) indicates that this missense variant is expected to disrupt CFB protein function with a positive predictive value of 80%. In summary, the available evidence is currently insufficient to determine the role of this variant in disease. Therefore, it has been classified as a Variant of Uncertain Significance.